The following is an entry in ClinVar:

ClinVar aggregate classification (germline): Benign/Likely benign. Review status: criteria provided, multiple submitters, no conflicts (2 of 4 stars). 3 submissions from 3 submitters: Benign (1); Likely benign (1). 1 of the submissions does not count toward it. Last evaluated 2026-02-01.

Conditions:
FAN1-related disorder. Also called: FAN1-related condition.

Allele frequency attached by ClinVar (database versions not stated): gnomAD exomes 0.00017 and 0.00054; gnomAD 0.00024 and 0.00033; TOPMed 0.00037; ExAC 0.00044; 1000 Genomes Project 30x 0.00141; 1000 Genomes Project 0.00160.
gnomAD v4.1: 353 of 1,587,942 alleles (0.022%); highest among the groups gnomAD compares: East Asian, 0.55%; 3 homozygotes.

Submissions (4):

Labcorp Genetics (formerly Invitae), Labcorp
Classification: Benign. Last evaluated: 2026-02-01. Review status: criteria provided, single submitter. Criteria: Invitae Variant Classification Sherloc (09022015). Collection method: clinical testing. Allele origin: germline.

Blueprint Genetics
Classification: Likely benign. Last evaluated: 2024-11-27. Review status: criteria provided, single submitter. Criteria: ACMG Guidelines, 2015. Collection method: clinical testing. Allele origin: germline.

PreventionGenetics, part of Exact Sciences
Classification: Benign for FAN1-related condition. Last evaluated: 2019-08-09. Review status: no assertion criteria provided. Collection method: clinical testing. Allele origin: germline. Not counted in ClinVar's aggregate classification.
Comment: This variant is classified as benign based on ACMG/AMP sequence variant interpretation guidelines (Richards et al. 2015 PMID: 25741868, with internal and published modifications).

Dr. Peter K. Rogan Lab, Western University
No classification provided (evidence only). Condition: Gastric cancer. Review status: no classification provided. Collection method: in vitro. Allele origin: not applicable. Functional consequence: retained intron. Not counted in ClinVar's aggregate classification.

NM_014967.5(FAN1):c.1811+6A>G

Gene: FAN1 (FANCD2 and FANCI associated nuclease 1; plus strand). Cytogenetic location: 15q13.3.
Variant type: single nucleotide variant.
Coding change: c.1811+6A>G on transcript NM_014967.5 (MANE Select); 6 bases into the intron after coding-DNA position 1811, A replaced by G.
Molecular consequence: intron variant.
Genome position (GRCh38, 1-based): chr15:30,914,097, A>G. VCF-style: chr15-30914097-A-G. GRCh37 (hg19) VCF-style: chr15-31206300-A-G.
Identifiers: ClinVar variation 723452 (VCV000723452.13), dbSNP rs369135677, ClinGen allele CA7450402.